The following is an entry in ClinVar:

ClinVar aggregate classification (germline): Likely pathogenic (1 of 4 stars; one submission).

Conditions:
Hereditary cancer-predisposing syndrome. Also called: Neoplastic Syndromes, Hereditary; Tumor predisposition; Hereditary Cancer Syndrome; Hereditary neoplastic syndrome. Identifiers: Orphanet 140162, MedGen C0027672, MeSH D009386, MONDO:0015356.

Submission:

Ambry Genetics
Classification: Likely pathogenic for Hereditary cancer-predisposing syndrome. Last evaluated: 2020-10-29. Review status: criteria provided, single submitter. Criteria: Ambry Variant Classification Scheme 2023. Collection method: clinical testing. Allele origin: germline.
Comment: The p.K706* variant (also known as c.2116A>T), located in coding exon 11 of the BARD1 gene, results from an A to T substitution at nucleotide position 2116. This changes the amino acid from a lysine to a stop codon within coding exon 11. Premature stop codons are typically deleterious in nature; however, this stop codon occurs at the 3' terminus of BARD1, is not expected to trigger nonsense-mediated mRNA decay, and removes only the last ~7% of the protein. The exact functional impact of these removed amino acids is unknown at this time; however, structural analysis suggests this alteration results in loss of a large part of a well-ordered C-terminal BRCT domain with destabilization of the structure, which could disrupt protein-protein interactions (Birrane G et al. Biochemistry. 2007 Jul; 46(26):7706-12; Feki A et al. Oncogene. 2005 May; 24(23):3726-36; Edwards RA et al. Biochemistry. 2008 Nov; 47(44):11446-56; Rodriguez M et al. J. Biol. Chem. 2003 Dec; 278(52):52914-8; Ambry internal data). In addition, this alteration impacts the BRCT domain of BARD1, which has been shown to be necessary for homology-directed DNA repair (Laufer M et al. J Biol Chem, 2007 Nov;282:34325-33, Adamovich AI et al. PLoS Genet, 2019 03;15:e1008049). This variant was not reported in population-based cohorts in the Genome Aggregation Database (gnomAD). Based on the majority of available evidence to date, this variant is likely to be pathogenic.

NM_000465.4(BARD1):c.2116A>T (p.Lys706Ter)

Gene: BARD1 (BRCA1 associated RING domain 1; minus strand). Cytogenetic location: 2q35.
Variant type: single nucleotide variant.
Coding change: c.2116A>T on transcript NM_000465.4 (MANE Select); coding-DNA position 2116, A replaced by T.
Protein change: p.Lys706Ter; replaces lysine 706 with a stop codon.
Molecular consequence: nonsense. On other transcripts: non-coding transcript variant (3).
Genome position (GRCh38, 1-based): chr2:214,728,894, T>A on the plus strand (A>T on the coding strand, the complement: BARD1 is on the minus strand). VCF-style: chr2-214728894-T-A. GRCh37 (hg19) VCF-style: chr2-215593618-T-A.
Other names: c.2059A>T, p.Lys687Ter (NM_001282543.2); c.763A>T, p.Lys255Ter (NM_001282545.2); c.706A>T, p.Lys236Ter (NM_001282548.2); c.577A>T, p.Lys193Ter (NM_001282549.2); short protein forms K687*, K706*, K193*, K236*, K255*.
Identifiers: ClinVar variation 1786177 (VCV001786177.2), dbSNP rs149262370, ClinGen allele CA350450585.
Genomic context (GRCh38, chr2:214,728,894, plus strand): 5'-GTCTCGCATGGTATGCGACTGTATTGATGGTCTGAGTCACGTCACTGTCTGGCTTGGGCT[T>A]TCTACTGAGGATCTGGCCCCCACCTGCAGTGACGAGCTTAATAAGGTTGTCCTTTGGATG-3'